The following is an entry in ClinVar:

ClinVar aggregate classification (germline): Uncertain significance (1 of 4 stars; one submission).

Submission:

CeGaT Center for Human Genetics Tuebingen
Classification: Uncertain significance. Last evaluated: 2024-11-01. Review status: criteria provided, single submitter. Criteria: CeGaT Center For Human Genetics Tuebingen Variant Classification Criteria Version 2. Collection method: clinical testing. Allele origin: germline. Affected: yes. Observed: 1 variant allele.
Comment: COL4A4: PM2, PP3

NM_000092.5(COL4A4):c.2165-5A>G

Gene: COL4A4 (collagen type IV alpha 4 chain; minus strand). Cytogenetic location: 2q36.3.
Variant type: single nucleotide variant.
Coding change: c.2165-5A>G on transcript NM_000092.5 (MANE Select); 5 bases into the intron before coding-DNA position 2165, A replaced by G.
Molecular consequence: intron variant.
Genome position (GRCh38, 1-based): chr2:227,059,628, T>C on the plus strand (A>G on the coding strand, the complement: COL4A4 is on the minus strand). VCF-style: chr2-227059628-T-C. GRCh37 (hg19) VCF-style: chr2-227924344-T-C.
Identifiers: ClinVar variation 3390176 (VCV003390176.14).